The following is an entry in ClinVar:

ClinVar aggregate classification (germline): Uncertain significance (1 of 4 stars; one submission).

Conditions:
Spastic paraplegia. Identifiers: MedGen C0037772, HP:0001258.

gnomAD v4.1: 1 of 1,613,856 alleles (0.000062%); no homozygotes.

Submission:

Labcorp Genetics (formerly Invitae), Labcorp
Classification: Uncertain significance for Spastic paraplegia. Last evaluated: 2024-07-15. Review status: criteria provided, single submitter. Criteria: Invitae Variant Classification Sherloc (09022015). Collection method: clinical testing. Allele origin: germline.
Comment: This sequence change replaces isoleucine, which is neutral and non-polar, with methionine, which is neutral and non-polar, at codon 200 of the SACS protein (p.Ile200Met). This variant is not present in population databases (gnomAD no frequency). This variant has not been reported in the literature in individuals affected with SACS-related conditions. ClinVar contains an entry for this variant (Variation ID: 1354010). Advanced modeling of protein sequence and biophysical properties (such as structural, functional, and spatial information, amino acid conservation, physicochemical variation, residue mobility, and thermodynamic stability) performed at Invitae indicates that this missense variant is not expected to disrupt SACS protein function with a negative predictive value of 95%. In summary, the available evidence is currently insufficient to determine the role of this variant in disease. Therefore, it has been classified as a Variant of Uncertain Significance.

NM_014363.6(SACS):c.600A>G (p.Ile200Met)

Gene: SACS (sacsin molecular chaperone; minus strand). Cytogenetic location: 13q12.12.
Variant type: single nucleotide variant.
Coding change: c.600A>G on transcript NM_014363.6 (MANE Select); coding-DNA position 600, A replaced by G.
Protein change: p.Ile200Met; replaces isoleucine 200 with methionine.
Molecular consequence: missense variant.
Genome position (GRCh38, 1-based): chr13:23,358,339, T>C on the plus strand (A>G on the coding strand, the complement: SACS is on the minus strand). VCF-style: chr13-23358339-T-C. GRCh37 (hg19) VCF-style: chr13-23932478-T-C.
Other names: c.159A>G, p.Ile53Met (NM_001278055.2); short protein forms I200M, I53M.
Identifiers: ClinVar variation 1354010 (VCV001354010.6), dbSNP rs2137742429, ClinGen allele CA387551872.